The following is an entry in ClinVar:

NM_000535.7(PMS2):c.2062A>T (p.Ile688Leu)

Gene: PMS2 (PMS1 homolog 2, mismatch repair system component; minus strand). Cytogenetic location: 7p22.1.
Variant type: single nucleotide variant.
Coding change: c.2062A>T on transcript NM_000535.7 (MANE Select); coding-DNA position 2062, A replaced by T.
Protein change: p.Ile688Leu; replaces isoleucine 688 with leucine.
Molecular consequence: missense variant. On other transcripts: non-coding transcript variant (1).
Genome position (GRCh38, 1-based): chr7:5,982,936, T>A on the plus strand (A>T on the coding strand, the complement: PMS2 is on the minus strand). VCF-style: chr7-5982936-T-A. GRCh37 (hg19) VCF-style: chr7-6022567-T-A.
Other names: c.1657A>T, p.Ile553Leu (NM_001322003.2, NM_001322004.2, NM_001322005.2 and 1 more transcripts); c.1906A>T, p.Ile636Leu (NM_001322006.2); c.1744A>T, p.Ile582Leu (NM_001322007.2, NM_001322008.2); c.1501A>T, p.Ile501Leu (NM_001322010.2); c.1129A>T, p.Ile377Leu (NM_001322011.2, NM_001322012.2); c.1489A>T, p.Ile497Leu (NM_001322013.2); c.2062A>T, p.Ile688Leu (NM_001322014.2); c.1753A>T, p.Ile585Leu (NM_001322015.2); and 1 more; short protein forms I688L, I585L, I553L, I377L, I501L, I497L, I582L, I636L.
Identifiers: ClinVar variation 480350 (VCV000480350.16), dbSNP rs1060503144, ClinGen allele CA366738079.
Genomic context (GRCh38, chr7:5,982,936, plus strand): 5'-TATACTTCTCGTCCGTGGCATGCTGGTCCACTATGAAGATATCCTCATTCAGTTTGGTTA[T>A]TATAAATCCCAGGTTAAACTGACCAATGATTTCCATTTCTGCAAACATCGTTTTACTGCA-3'
Protein context (NP_000526.2, residues 678-698): IIGQFNLGFI[Ile688Leu]TKLNEDIFIV

ClinVar aggregate classification (germline): Uncertain significance. Review status: criteria provided, multiple submitters, no conflicts (2 of 4 stars). 4 submissions from 4 submitters: Uncertain significance (4). Last evaluated 2025-07-15.

Conditions:
Hereditary cancer-predisposing syndrome. Also called: Hereditary Cancer Syndrome; Neoplastic Syndromes, Hereditary; Tumor predisposition; Hereditary neoplastic syndrome. Identifiers: Orphanet 140162, MedGen C0027672, MeSH D009386, MONDO:0015356.
Hereditary nonpolyposis colorectal neoplasms. Identifiers: MedGen C0009405, MeSH D003123.

gnomAD v4.1: 4 of 1,590,492 alleles (0.00025%); highest among the groups gnomAD compares: Non-Finnish European, 0.00026%; no homozygotes.

Submissions (4):

Labcorp Genetics (formerly Invitae), Labcorp
Classification: Uncertain significance for Hereditary nonpolyposis colorectal neoplasms. Last evaluated: 2025-07-15. Review status: criteria provided, single submitter. Criteria: Invitae Variant Classification Sherloc (09022015). Collection method: clinical testing. Allele origin: germline.
Comment: This sequence change replaces isoleucine, which is neutral and non-polar, with leucine, which is neutral and non-polar, at codon 688 of the PMS2 protein (p.Ile688Leu). The frequency data for this variant in the population databases (gnomAD) is considered unreliable due to the presence of homologous sequence, such as pseudogenes or paralogs, in the genome. This variant has not been reported in the literature in individuals affected with PMS2-related conditions. ClinVar contains an entry for this variant (Variation ID: 480350). Invitae Evidence Modeling incorporating data from in vitro experimental studies (internal data) indicates that this missense variant is not expected to disrupt PMS2 function with a negative predictive value of 95%. In summary, the available evidence is currently insufficient to determine the role of this variant in disease. Therefore, it has been classified as a Variant of Uncertain Significance.

Quest Diagnostics Nichols Institute San Juan Capistrano
Classification: Uncertain significance. Last evaluated: 2025-06-04. Review status: criteria provided, single submitter. Criteria: Quest Diagnostics criteria. Collection method: clinical testing. Allele origin: unknown.

Color Diagnostics, LLC DBA Color Health
Classification: Uncertain significance for Hereditary cancer-predisposing syndrome. Last evaluated: 2025-05-13. Review status: criteria provided, single submitter. Criteria: ACMG Guidelines, 2015. Collection method: clinical testing. Allele origin: germline.
Comment: This missense variant replaces isoleucine with leucine at codon 688 of the PMS2 protein. Computational prediction suggests that this variant may not impact protein structure and function. To our knowledge, functional studies have not been reported for this variant. This variant has not been reported in individuals affected with PMS2-related disorders in the literature. This variant has not been identified in the general population by the Genome Aggregation Database (gnomAD). The available evidence is insufficient to determine the role of this variant in disease conclusively. Therefore, this variant is classified as a Variant of Uncertain Significance.

Ambry Genetics
Classification: Uncertain significance for Hereditary cancer-predisposing syndrome. Last evaluated: 2024-03-03. Review status: criteria provided, single submitter. Criteria: Ambry Variant Classification Scheme 2023. Collection method: clinical testing. Allele origin: germline.
Comment: The p.I688L variant (also known as c.2062A>T), located in coding exon 12 of the PMS2 gene, results from an A to T substitution at nucleotide position 2062. The isoleucine at codon 688 is replaced by leucine, an amino acid with highly similar properties. This amino acid position is well conserved in available vertebrate species. In addition, this alteration is predicted to be tolerated by in silico analysis. Since supporting evidence is limited at this time, the clinical significance of this alteration remains unclear.

Literature cited by the submitters: PubMed 32827758 (cited by Quest Diagnostics Nichols Institute San Juan Capistrano).